The following is an entry in ClinVar:

NM_002225.5(IVD):c.144+1G>T

Gene: IVD (isovaleryl-CoA dehydrogenase; plus strand). Cytogenetic location: 15q15.1.
Variant type: single nucleotide variant.
Coding change: c.144+1G>T on transcript NM_002225.5 (MANE Select); the canonical splice donor site of the intron after coding-DNA position 144, G replaced by T.
Molecular consequence: splice donor variant. On other transcripts: 5 prime UTR variant (1), non-coding transcript variant (1).
Genome position (GRCh38, 1-based): chr15:40,405,972, G>T. VCF-style: chr15-40405972-G-T. GRCh37 (hg19) VCF-style: chr15-40698173-G-T.
Other names: c.-283G>T (NM_001354597.3); c.144+1G>T (NM_001354600.3, NM_001354598.3, NM_001354601.3 and 2 more transcripts).
Identifiers: ClinVar variation 4814999 (VCV004814999.1).
Genomic context (GRCh38, chr15:40,405,972, plus strand): 5'-GCCCACTCGCTTTTGCCCGTGGACGATGCAATCAATGGGCTAAGCGAGGAGCAGAGGCAG[G>T]TGAGGAGACTGACCCCCTTCCTGGCCCCAAGGCCTCCTTCCTGCCTGGTCCCCAAGGCCT-3'

ClinVar aggregate classification (germline): Pathogenic (1 of 4 stars; one submission).

Conditions:
Isovaleryl-CoA dehydrogenase deficiency (IVA). Also called: ISOVALERIC ACID CoA DEHYDROGENASE DEFICIENCY; Isovaleric acidemia; Classic Isovaleric Acidemia; IVD DEFICIENCY. Identifiers: Orphanet 33, MedGen C0268575, MONDO:0009475, OMIM 243500.

Submission:

Natera, Inc.
Classification: Pathogenic for Isovaleryl-coa dehydrogenase deficiency. Last evaluated: 2024-07-23. Review status: criteria provided, single submitter. Criteria: Natera Variant Classification Schema (03/2026). Collection method: clinical testing. Allele origin: germline.
Comment: The c.153+1G>T variant in IVD is a canonical splice donor site variant predicted to affect pre-mRNA splicing, which may result in an abnormal transcript and altered protein product. This variant is expected to result in nonsense mediated decay, truncation, or a dysfunctional protein product. This variant is rare in the general population with a frequency below the threshold expected for the associated phenotype(s). This variant has been observed in one or more individuals affected with the associated recessive disease, as either homozygous or compound heterozygous with a second variant (PMID: 17576084). Additionally, this variant has been observed to segregate in affected family members (PMID: 17576084). Another variant at this same site results in an alteration predicted to cause a similar molecular effect has been observed in individual(s) with the associated phenotype. Given the available evidence, this variant is classified as Pathogenic.

Literature cited by the submitters: PubMed 17576084.